The following is an entry in ClinVar:

NM_017646.6(TRIT1):c.1290C>T (p.Asp430=)

Gene: TRIT1 (tRNA isopentenyltransferase 1; minus strand). Cytogenetic location: 1p34.2.
Variant type: single nucleotide variant.
Coding change: c.1290C>T on transcript NM_017646.6 (MANE Select); coding-DNA position 1290, C replaced by T.
Protein change: p.Asp430=; no amino-acid change (aspartic acid 430 retained).
Molecular consequence: synonymous variant.
Genome position (GRCh38, 1-based): chr1:39,841,858, G>A on the plus strand (C>T on the coding strand, the complement: TRIT1 is on the minus strand). VCF-style: chr1-39841858-G-A. GRCh37 (hg19) VCF-style: chr1-40307530-G-A.
Other names: c.1212C>T, p.Asp404= (NM_001312691.2); c.1044C>T, p.Asp348= (NM_001312692.2).
Identifiers: ClinVar variation 1701103 (VCV001701103.31), dbSNP rs1292074449, ClinGen allele CA417306835.

ClinVar aggregate classification (germline): Likely benign (1 of 4 stars; one submission).

Allele frequency attached by ClinVar (database versions not stated): TOPMed below 0.00001; gnomAD 0.00001; gnomAD exomes 0.00001.
gnomAD v4.1: 10 of 1,613,968 alleles (0.00062%); highest among the groups gnomAD compares: Non-Finnish European, 0.00085%; no homozygotes.

Submission:

CeGaT Center for Human Genetics Tuebingen
Classification: Likely benign. Last evaluated: 2022-06-01. Review status: criteria provided, single submitter. Criteria: CeGaT Center For Human Genetics Tuebingen Variant Classification Criteria Version 2. Collection method: clinical testing. Allele origin: germline. Affected: yes. Observed: 1 variant allele.
Comment: TRIT1: BP4, BP7